The following is an entry in ClinVar:

ClinVar aggregate classification (germline): Uncertain significance. Review status: criteria provided, multiple submitters, no conflicts (2 of 4 stars). 2 submissions from 2 submitters: Uncertain significance (2). Last evaluated 2019-04-22.

Conditions:
Dilated cardiomyopathy 1CC (CMD1CC). Identifiers: Orphanet 154, MedGen C2751084, MONDO:0013147, OMIM 613122.

Allele frequency attached by ClinVar (database versions not stated): gnomAD exomes below 0.00001; gnomAD 0.00001; 1000 Genomes Project 30x 0.00016.
gnomAD v4.1: 2 of 1,610,672 alleles (0.00012%); highest among the groups gnomAD compares: Non-Finnish European, 0.00017%; no homozygotes.

Submissions (2):

Baylor Genetics
Classification: Uncertain significance for Dilated cardiomyopathy 1CC. Last evaluated: 2019-04-22. Review status: criteria provided, single submitter. Criteria: ACMG Guidelines, 2015. Collection method: clinical testing. Allele origin: paternal. Affected: yes.
Comment: This variant was determined to be of uncertain significance according to ACMG Guidelines, 2015 [PMID:25741868].

GeneDx
Classification: Uncertain significance. Last evaluated: 2019-04-10. Review status: criteria provided, single submitter. Criteria: GeneDx Variant Classification Process June 2021. Collection method: clinical testing. Allele origin: germline. Affected: yes.
Comment: Has not been previously published as pathogenic or benign to our knowledge; Not observed in large population cohorts (Lek et al., 2016); Nonsense variant predicted to result in protein truncation and nonsense mediated decay in a gene for which loss-of-function is not a known mechanism of disease

NM_144573.4(NEXN):c.178C>T (p.Gln60Ter)

Gene: NEXN (nexilin F-actin binding protein; plus strand). Cytogenetic location: 1p31.1.
Variant type: single nucleotide variant.
Coding change: c.178C>T on transcript NM_144573.4 (MANE Select); coding-DNA position 178, C replaced by T.
Protein change: p.Gln60Ter; replaces glutamine 60 with a stop codon.
Molecular consequence: nonsense. On other transcripts: intron variant (1).
Genome position (GRCh38, 1-based): chr1:77,917,716, C>T. VCF-style: chr1-77917716-C-T. GRCh37 (hg19) VCF-style: chr1-78383401-C-T.
Other names: c.28-244C>T (NM_001172309.2); short protein forms Q60*.
Identifiers: ClinVar variation 1027744 (VCV001027744.3), dbSNP rs1649088164, ClinGen allele CA340885842.